The following is an entry in ClinVar:

NM_004655.4(AXIN2):c.1135_1143del (p.Glu379_Leu381del)

Gene: AXIN2 (axin 2; minus strand). Cytogenetic location: 17q24.1.
Variant type: Deletion.
Coding change: c.1135_1143del on transcript NM_004655.4 (MANE Select); coding-DNA positions 1135 to 1143, 9 bases deleted (GAAAAGCTG; older notation c.1135_1143delGAAAAGCTG).
Protein change: p.Glu379_Leu381del.
Molecular consequence: inframe deletion.
Genome position (GRCh38, 1-based): chr17:65,538,260-65,538,268, CAGCTTTTC deleted on the plus strand (GAAAAGCTG on the coding strand, the reverse complement: AXIN2 is on the minus strand); deleting any 9 consecutive bases within chr17:65,538,260-65,538,272 gives the same sequence; the c. name uses the placement nearest the transcript's 3' end. VCF-style (leftmost placement, unchanged base first): chr17-65538259-TCAGCTTTTC-T. GRCh37 (hg19) VCF-style: chr17-63534377-TCAGCTTTTC-T.
Other names: c.1135_1143del, p.Glu379_Leu381del (NM_001363813.1); c.1135_1143delGAAAAGCTG (NM_004655.3).
Identifiers: ClinVar variation 1391583 (VCV001391583.7), dbSNP rs2144477185, ClinGen allele CA2573154709.

ClinVar aggregate classification (germline): Uncertain significance. Review status: criteria provided, multiple submitters, no conflicts (2 of 4 stars). 2 submissions from 2 submitters: Uncertain significance (2). Last evaluated 2026-06-25.

Conditions:
Hereditary cancer-predisposing syndrome. Also called: Hereditary Cancer Syndrome; Neoplastic Syndromes, Hereditary; Hereditary neoplastic syndrome; Tumor predisposition. Identifiers: Orphanet 140162, MedGen C0027672, MeSH D009386, MONDO:0015356.
Oligodontia-cancer predisposition syndrome. Also called: TOOTH AGENESIS-COLORECTAL CANCER SYNDROME. Identifiers: Orphanet 300576, MedGen C1837750, MONDO:0012075, OMIM 608615. Disease mechanism: loss of function.

Submissions (2):

Ambry Genetics
Classification: Uncertain significance for Hereditary cancer-predisposing syndrome. Last evaluated: 2026-06-25. Review status: criteria provided, single submitter. Criteria: Ambry Variant Classification Scheme 2023. Collection method: clinical testing. Allele origin: germline.
Comment: The c.1135_1143delGAAAAGCTG variant (also known as p.E379_L381del) is located in coding exon 4 of the AXIN2 gene. This variant results from an in-frame GAAAAGCTG deletion at nucleotide positions 1135 to 1143. This results in the in-frame deletion of 3 amino acids (EKL) at codons 379 to 381. These amino acid positions are highly conserved in available vertebrate species. In addition, this variant is predicted to be deleterious by in silico analysis (Choi Y et al. PLoS ONE. 2012; 7(10):e46688). Based on the available evidence, the clinical significance of this variant remains unclear.

Labcorp Genetics (formerly Invitae), Labcorp
Classification: Uncertain significance for Oligodontia-cancer predisposition syndrome. Last evaluated: 2021-11-05. Review status: criteria provided, single submitter. Criteria: Invitae Variant Classification Sherloc (09022015). Collection method: clinical testing. Allele origin: germline.
Comment: In summary, the available evidence is currently insufficient to determine the role of this variant in disease. Therefore, it has been classified as a Variant of Uncertain Significance. Experimental studies and prediction algorithms are not available or were not evaluated, and the functional significance of this variant is currently unknown. This variant has not been reported in the literature in individuals affected with AXIN2-related conditions. This variant is not present in population databases (gnomAD no frequency). This variant, c.1135_1143del, results in the deletion of 3 amino acid(s) of the AXIN2 protein (p.Glu379_Leu381del), but otherwise preserves the integrity of the reading frame.